The following is an entry in ClinVar:

NM_003227.4(TFR2):c.224C>T (p.Ala75Val)

Gene: TFR2 (transferrin receptor 2; minus strand). Cytogenetic location: 7q22.1.
Variant type: single nucleotide variant.
Coding change: c.224C>T on transcript NM_003227.4 (MANE Select); coding-DNA position 224, C replaced by T.
Protein change: p.Ala75Val; replaces alanine 75 with valine.
Molecular consequence: missense variant.
Genome position (GRCh38, 1-based): chr7:100,641,038, G>A on the plus strand (C>T on the coding strand, the complement: TFR2 is on the minus strand). VCF-style: chr7-100641038-G-A. GRCh37 (hg19) VCF-style: chr7-100238661-G-A.
Other names: short protein forms A75V.
Identifiers: ClinVar variation 21373 (VCV000021373.25), dbSNP rs41302357, ClinGen allele CA341987.

ClinVar aggregate classification (germline): Conflicting classifications of pathogenicity. Review status: criteria provided, conflicting classifications (1 of 4 stars). 3 submissions from 3 submitters: Uncertain significance (1); Likely benign (1). 1 of the submissions does not count toward it. Last evaluated 2026-02-04.

Conditions:
Hereditary hemochromatosis (HFE). Identifiers: MedGen C0392514, MONDO:0006507. Disease mechanism: loss of function.
Hemochromatosis type 3 (HFE3). Also called: TFR2-Related Hemochromatosis; HEMOCHROMATOSIS DUE TO DEFECT IN TRANSFERRIN RECEPTOR 2; Hereditary hemochromatosis type 3. Identifiers: Orphanet 225123, MedGen C1858664, MONDO:0011417, OMIM 604250.

Allele frequency attached by ClinVar (database versions not stated): gnomAD 0.00014; gnomAD exomes 0.00032; TOPMed 0.00033; 1000 Genomes Project 30x 0.00047; ExAC 0.00057; 1000 Genomes Project 0.00060.
gnomAD v4.1: 485 of 1,601,638 alleles (0.03%); highest among the groups gnomAD compares: East Asian, 0.94%; 1 homozygote.

Submissions (3):

Labcorp Genetics (formerly Invitae), Labcorp
Classification: Likely benign for Hereditary hemochromatosis. Last evaluated: 2026-02-04. Review status: criteria provided, single submitter. Criteria: Invitae Variant Classification Sherloc (09022015). Collection method: clinical testing. Allele origin: germline.

Illumina Laboratory Services, Illumina
Classification: Uncertain significance for Hemochromatosis type 3. Last evaluated: 2017-04-27. Review status: criteria provided, single submitter. Criteria: ICSL Variant Classification Criteria 13 December 2019. Collection method: clinical testing. Allele origin: germline.
Comment: This variant was observed as part of a predisposition screen in an ostensibly healthy population. A literature search was performed for the gene, cDNA change, and amino acid change (where applicable). Publications were found based on this search. However, the evidence from the literature, in combination with allele frequency data from public databases where available, was not sufficient to rule this variant in or out of causing disease. Therefore, this variant is classified as a variant of unknown significance.

GeneReviews
No classification provided. Condition: Hemochromatosis type 3. Review status: no classification provided. Collection method: literature only. Allele origin: unknown. Not counted in ClinVar's aggregate classification.

Literature cited by the submitters: PubMed 20301523 (cited by Illumina Laboratory Services, Illumina and GeneReviews); PubMed 18245657 (cited by Illumina Laboratory Services, Illumina and GeneReviews); PubMed 26029709 (cited by Illumina Laboratory Services, Illumina); PubMed 14633868 (cited by Illumina Laboratory Services, Illumina); NCBI Bookshelf NBK1349 (cited by GeneReviews).